The following is an entry in ClinVar:

NM_001999.4(FBN2):c.8257G>A (p.Glu2753Lys)

Gene: FBN2 (fibrillin 2; minus strand). Cytogenetic location: 5q23.3.
Variant type: single nucleotide variant.
Coding change: c.8257G>A on transcript NM_001999.4 (MANE Select); coding-DNA position 8257, G replaced by A.
Protein change: p.Glu2753Lys; replaces glutamic acid 2753 with lysine.
Molecular consequence: missense variant.
Genome position (GRCh38, 1-based): chr5:128,261,843, C>T on the plus strand (G>A on the coding strand, the complement: FBN2 is on the minus strand). VCF-style: chr5-128261843-C-T. GRCh37 (hg19) VCF-style: chr5-127597535-C-T.
Other names: short protein forms E2753K.
Identifiers: ClinVar variation 213256 (VCV000213256.40), dbSNP rs146781484, ClinGen allele CA323462.

ClinVar aggregate classification (germline): Likely benign. Review status: criteria provided, multiple submitters, no conflicts (2 of 4 stars). 12 submissions from 12 submitters: Likely benign (9). 3 of the submissions do not count toward it. Last evaluated 2026-01-15.

Conditions:
FBN2-related disorder. Also called: FBN2-related condition.
Connective tissue disorder. Also called: Connective tissue disease. Identifiers: MedGen C0009782, MONDO:0003900.
Congenital contractural arachnodactyly (CCA). Also called: BEALS SYNDROME; Beals-Hecht syndrome; Arthrogryposis, distal, type 9. Identifiers: Orphanet 115, MedGen C0220668, MONDO:0007363, OMIM 121050.
Familial thoracic aortic aneurysm and aortic dissection (TAAD). Also called: Thoracic aortic aneurysms and dissections. Identifiers: Orphanet 91387, MedGen C4707243, MONDO:0019625.

Allele frequency attached by ClinVar (database versions not stated): 1000 Genomes Project 30x 0.00016; 1000 Genomes Project 0.00020; TOPMed 0.00029; ESP Exome Variant Server 0.00031; gnomAD 0.00040 and 0.00042; gnomAD exomes 0.00049; ExAC 0.00050.
gnomAD v4.1: 813 of 1,614,032 alleles (0.05%); highest among the groups gnomAD compares: Non-Finnish European, 0.058%; 1 homozygote.

Submissions (12):

Labcorp Genetics (formerly Invitae), Labcorp
Classification: Likely benign for Congenital contractural arachnodactyly. Last evaluated: 2026-01-15. Review status: criteria provided, single submitter. Criteria: Invitae Variant Classification Sherloc (09022015). Collection method: clinical testing. Allele origin: germline.

ARUP Laboratories, Molecular Genetics and Genomics, ARUP Laboratories
Classification: Likely benign. Last evaluated: 2025-03-07. Review status: criteria provided, single submitter. Criteria: ARUP Molecular Germline Variant Investigation Process 2024. Collection method: clinical testing. Allele origin: germline.

CeGaT Center for Human Genetics Tuebingen
Classification: Likely benign. Last evaluated: 2025-02-01. Review status: criteria provided, single submitter. Criteria: CeGaT Center For Human Genetics Tuebingen Variant Classification Criteria Version 2. Collection method: clinical testing. Allele origin: germline. Affected: yes. Observed: 1 variant allele.
Comment: FBN2: BP4, BS1

Blueprint Genetics
Classification: Likely benign. Last evaluated: 2024-09-23. Review status: criteria provided, single submitter. Criteria: ACMG Guidelines, 2015. Collection method: clinical testing. Allele origin: germline.

GeneDx
Classification: Likely benign. Last evaluated: 2024-08-02. Review status: criteria provided, single submitter. Criteria: GeneDx Variant Classification Process June 2021. Collection method: clinical testing. Allele origin: germline. Affected: yes.
Comment: See Variant Classification Assertion Criteria.

Women's Health and Genetics/Laboratory Corporation of America, LabCorp
Classification: Likely benign. Last evaluated: 2023-11-20. Review status: criteria provided, single submitter. Criteria: LabCorp Variant Classification Summary - May 2015. Collection method: clinical testing. Allele origin: germline.

Genome Diagnostics Laboratory, The Hospital for Sick Children
Classification: Likely benign for Connective tissue disorder. Last evaluated: 2019-09-01. Review status: criteria provided, single submitter. Criteria: ACMG Guidelines, 2015. Collection method: clinical testing. Allele origin: germline.

Illumina Laboratory Services, Illumina
Classification: Likely benign for Congenital contractural arachnodactyly. Last evaluated: 2018-01-13. Review status: criteria provided, single submitter. Criteria: ICSL Variant Classification Criteria 13 December 2019. Collection method: clinical testing. Allele origin: germline.
Comment: This variant was observed in the ICSL laboratory as part of a predisposition screen in an ostensibly healthy population. It had not been previously curated by ICSL or reported in the Human Gene Mutation Database (HGMD: prior to June 1st, 2018), and was therefore a candidate for classification through an automated scoring system. Utilizing variant allele frequency, disease prevalence and penetrance estimates, and inheritance mode, an automated score was calculated to assess if this variant is too frequent to cause the disease. Based on the score and internal cut-off values, a variant classified as likely benign is not then subjected to further curation. The score for this variant resulted in a classification of likely benign for this disease.

Ambry Genetics
Classification: Likely benign for Familial thoracic aortic aneurysm and aortic dissection. Last evaluated: 2017-11-28. Review status: criteria provided, single submitter. Criteria: Ambry Variant Classification Scheme 2023. Collection method: clinical testing. Allele origin: germline.

PreventionGenetics, part of Exact Sciences
Classification: Likely benign for FBN2-related condition. Last evaluated: 2022-10-27. Review status: no assertion criteria provided. Collection method: clinical testing. Allele origin: germline. Not counted in ClinVar's aggregate classification.
Comment: This variant is classified as likely benign based on ACMG/AMP sequence variant interpretation guidelines (Richards et al. 2015 PMID: 25741868, with internal and published modifications).

Genome Diagnostics Laboratory, University Medical Center Utrecht
Classification: Likely benign. Review status: no assertion criteria provided. Collection method: clinical testing. Allele origin: germline. Affected: yes. Study: VKGL Data-share Consensus. Not counted in ClinVar's aggregate classification.

Laboratory of Diagnostic Genome Analysis, Leiden University Medical Center (LUMC)
Classification: Likely benign. Review status: no assertion criteria provided. Collection method: clinical testing. Allele origin: germline. Affected: yes. Study: VKGL Data-share Consensus. Not counted in ClinVar's aggregate classification.